The following is an entry in ClinVar:

ClinVar aggregate classification (germline): Uncertain significance. Review status: criteria provided, multiple submitters, no conflicts (2 of 4 stars). 3 submissions from 3 submitters: Uncertain significance (3). Last evaluated 2025-08-19.

Conditions:
Shprintzen-Goldberg syndrome (SGS). Also called: CRANIOSYNOSTOSIS WITH ARACHNODACTYLY AND ABDOMINAL HERNIAS; Marfanoid disorder with craniosynostosis type 1; Marfanoid craniosynostosis syndrome; Shprintzen-Goldberg marfanoid syndrome; SHPRINTZEN-GOLDBERG CRANIOSYNOSTOSIS SYNDROME. Identifiers: Orphanet 2462, MedGen C1321551, MONDO:0008426, OMIM 182212.
Familial thoracic aortic aneurysm and aortic dissection (TAAD). Also called: Thoracic aortic aneurysms and dissections. Identifiers: Orphanet 91387, MedGen C4707243, MONDO:0019625.

Allele frequency attached by ClinVar (database versions not stated): ExAC 0.00002; ESP Exome Variant Server 0.00008; gnomAD 0.00003 and 0.00004; gnomAD exomes 0.00006 and 0.00002; TOPMed 0.00003.
gnomAD v4.1: 81 of 1,592,798 alleles (0.0051%); highest among the groups gnomAD compares: Non-Finnish European, 0.0067%; no homozygotes.

Submissions (3):

Labcorp Genetics (formerly Invitae), Labcorp
Classification: Uncertain significance for Shprintzen-Goldberg syndrome. Last evaluated: 2025-08-19. Review status: criteria provided, single submitter. Criteria: Invitae Variant Classification Sherloc (09022015). Collection method: clinical testing. Allele origin: germline.
Comment: This sequence change replaces arginine, which is basic and polar, with cysteine, which is neutral and slightly polar, at codon 636 of the SKI protein (p.Arg636Cys). The frequency data for this variant in the population databases is considered unreliable, as metrics indicate poor data quality at this position in the gnomAD database. This variant has not been reported in the literature in individuals affected with SKI-related conditions. ClinVar contains an entry for this variant (Variation ID: 520169). Invitae Evidence Modeling of protein sequence and biophysical properties (such as structural, functional, and spatial information, amino acid conservation, physicochemical variation, residue mobility, and thermodynamic stability) has been performed for this missense variant. However, the output from this modeling did not meet the statistical confidence thresholds required to predict the impact of this variant on SKI protein function. In summary, the available evidence is currently insufficient to determine the role of this variant in disease. Therefore, it has been classified as a Variant of Uncertain Significance.

GeneDx
Classification: Uncertain significance. Last evaluated: 2024-02-29. Review status: criteria provided, single submitter. Criteria: GeneDx Variant Classification Process June 2021. Collection method: clinical testing. Allele origin: germline. Affected: yes.
Comment: Has not been previously published as pathogenic or benign to our knowledge; In silico analysis supports that this missense variant has a deleterious effect on protein structure/function

Ambry Genetics
Classification: Uncertain significance for Familial thoracic aortic aneurysm and aortic dissection. Last evaluated: 2023-10-20. Review status: criteria provided, single submitter. Criteria: Ambry Variant Classification Scheme 2023. Collection method: clinical testing. Allele origin: germline.
Comment: The p.R636C variant (also known as c.1906C>T), located in coding exon 6 of the SKI gene, results from a C to T substitution at nucleotide position 1906. The arginine at codon 636 is replaced by cysteine, an amino acid with highly dissimilar properties. This amino acid position is highly conserved in available vertebrate species. In addition, this alteration is predicted to be deleterious by in silico analysis. Since supporting evidence is limited at this time, the clinical significance of this alteration remains unclear.

NM_003036.4(SKI):c.1906C>T (p.Arg636Cys)

Gene: SKI (SKI proto-oncogene; plus strand). Cytogenetic location: 1p36.32.
Variant type: single nucleotide variant.
Coding change: c.1906C>T on transcript NM_003036.4 (MANE Select); coding-DNA position 1906, C replaced by T.
Protein change: p.Arg636Cys; replaces arginine 636 with cysteine.
Molecular consequence: missense variant.
Genome position (GRCh38, 1-based): chr1:2,306,158, C>T. VCF-style: chr1-2306158-C-T. GRCh37 (hg19) VCF-style: chr1-2237597-C-T.
Other names: short protein forms R636C.
Identifiers: ClinVar variation 520169 (VCV000520169.16), dbSNP rs143354709, ClinGen allele CA536829.